The following is an entry in ClinVar:

NM_002907.4(RECQL):c.1355+6C>A

Gene: RECQL (RecQ like helicase; minus strand). Cytogenetic location: 12p12.1.
Variant type: single nucleotide variant.
Coding change: c.1355+6C>A on transcript NM_002907.4 (MANE Select); 6 bases into the intron after coding-DNA position 1355, C replaced by A.
Molecular consequence: intron variant.
Genome position (GRCh38, 1-based): chr12:21,474,835, G>T on the plus strand (C>A on the coding strand, the complement: RECQL is on the minus strand). VCF-style: chr12-21474835-G-T. GRCh37 (hg19) VCF-style: chr12-21627769-G-T.
Other names: c.1355+6C>A (NM_032941.3).
Identifiers: ClinVar variation 4767319 (VCV004767319.1).
Genomic context (GRCh38, chr12:21,474,835, plus strand): 5'-AAACGATGTCATATACTTTCATATTTGCTTTAATTGATAAAAGTTATAAAAAGGTATGTG[G>T]CTTACTTGCTTATGTTTTGACAGTATGATACCATCTCATAAAGCTTCTGCTGTCCCACAT-3'

ClinVar aggregate classification (germline): Uncertain significance (1 of 4 stars; one submission).

gnomAD v4.1: 3 of 1,611,172 alleles (0.00019%); highest among the groups gnomAD compares: Non-Finnish European, 0.00025%; no homozygotes.

Submission:

Labcorp Genetics (formerly Invitae), Labcorp
Classification: Uncertain significance. Last evaluated: 2025-10-21. Review status: criteria provided, single submitter. Criteria: Invitae Variant Classification Sherloc (09022015). Collection method: clinical testing. Allele origin: germline.
Comment: This sequence change falls in intron 11 of the RECQL gene. It does not directly change the encoded amino acid sequence of the RECQL protein. It affects a nucleotide within the consensus splice site. This variant is not present in population databases (gnomAD no frequency). This variant has not been reported in the literature in individuals affected with RECQL-related conditions. Variants that disrupt the consensus splice site are a relatively common cause of aberrant splicing (PMID: 17576681, 9536098). Algorithms developed to predict the effect of sequence changes on RNA splicing suggest that this variant is not likely to affect RNA splicing. In summary, the available evidence is currently insufficient to determine the role of this variant in disease. Therefore, it has been classified as a Variant of Uncertain Significance.

Literature cited by the submitters: PubMed 17576681; PubMed 9536098.